The following is an entry in ClinVar:

NM_001024630.4(RUNX2):c.602T>C (p.Ile201Thr)

Gene: RUNX2 (RUNX family transcription factor 2; plus strand). Cytogenetic location: 6p21.1.
Variant type: single nucleotide variant.
Coding change: c.602T>C on transcript NM_001024630.4 (MANE Select); coding-DNA position 602, T replaced by C.
Protein change: p.Ile201Thr; replaces isoleucine 201 with threonine.
Molecular consequence: missense variant.
Genome position (GRCh38, 1-based): chr6:45,437,968, T>C. VCF-style: chr6-45437968-T-C. GRCh37 (hg19) VCF-style: chr6-45405705-T-C.
Other names: c.602T>C, p.Ile201Thr (NM_001015051.4); c.560T>C, p.Ile187Thr (NM_001278478.2, NM_001369405.1, NM_004348.3); short protein forms I187T, I201T.
Identifiers: ClinVar variation 2656617 (VCV002656617.24), dbSNP rs2548593511, ClinGen allele CA363955116.

ClinVar aggregate classification (germline): Uncertain significance (1 of 4 stars; one submission).

Submission:

CeGaT Center for Human Genetics Tuebingen
Classification: Uncertain significance. Last evaluated: 2022-11-01. Review status: criteria provided, single submitter. Criteria: CeGaT Center For Human Genetics Tuebingen Variant Classification Criteria Version 2. Collection method: clinical testing. Allele origin: germline. Affected: yes. Observed: 1 variant allele.
Comment: RUNX2: PM2, PM5:Supporting, PP3